The following is an entry in ClinVar:

ClinVar aggregate classification (germline): Uncertain significance (1 of 4 stars; one submission).

Conditions:
Inborn genetic diseases. Identifiers: MedGen C0950123, MeSH D030342.

Submission:

Ambry Genetics
Classification: Uncertain significance for Inborn genetic diseases. Last evaluated: 2025-10-15. Review status: criteria provided, single submitter. Criteria: Ambry Variant Classification Scheme 2023. Collection method: clinical testing. Allele origin: germline.
Comment: The p.L537P variant (also known as c.1610T>C), located in coding exon 11 of the ERCC6L2 gene, results from a T to C substitution at nucleotide position 1610. The leucine at codon 537 is replaced by proline, an amino acid with similar properties. This amino acid position is conserved. In addition, this alteration is predicted to be deleterious by in silico analysis. Based on the available evidence, the clinical significance of this variant remains unclear.

NM_020207.7(ERCC6L2):c.1610T>C (p.Leu537Pro)

Gene: ERCC6L2 (ERCC excision repair 6 like 2; plus strand). Cytogenetic location: 9q22.32.
Variant type: single nucleotide variant.
Coding change: c.1610T>C on transcript NM_020207.7 (MANE Select); coding-DNA position 1610, T replaced by C.
Protein change: p.Leu537Pro; replaces leucine 537 with proline.
Molecular consequence: missense variant. On other transcripts: non-coding transcript variant (1).
Genome position (GRCh38, 1-based): chr9:95,928,723, T>C. VCF-style: chr9-95928723-T-C. GRCh37 (hg19) VCF-style: chr9-98691005-T-C.
Other names: c.1610T>C, p.Leu537Pro (NM_001010895.4, NM_001375291.1, NM_001375292.1 and 2 more transcripts); short protein forms L537P.
Identifiers: ClinVar variation 4618731 (VCV004618731.1).